The following is an entry in ClinVar:

NM_004656.4(BAP1):c.2073A>C (p.Leu691=)

Gene: BAP1 (BRCA1 associated deubiquitinase 1; minus strand). Cytogenetic location: 3p21.1.
Variant type: single nucleotide variant.
Coding change: c.2073A>C on transcript NM_004656.4 (MANE Select); coding-DNA position 2073, A replaced by C.
Protein change: p.Leu691=; no amino-acid change (leucine 691 retained).
Molecular consequence: synonymous variant.
Genome position (GRCh38, 1-based): chr3:52,402,405, T>G on the plus strand (A>C on the coding strand, the complement: BAP1 is on the minus strand). VCF-style: chr3-52402405-T-G. GRCh37 (hg19) VCF-style: chr3-52436421-T-G.
Other names: c.2019A>C, p.Leu673= (NM_001410772.1).
Identifiers: ClinVar variation 2450431 (VCV002450431.6), dbSNP rs1553644557, ClinGen allele CA433886119.

ClinVar aggregate classification (germline): Benign/Likely benign. Review status: criteria provided, multiple submitters, no conflicts (2 of 4 stars). 3 submissions from 3 submitters: Benign (1); Likely benign (2). Last evaluated 2025-12-10.

Conditions:
BAP1-related tumor predisposition syndrome (TPDS1). Also called: BAP1 tumor predisposition syndrome; Tumor susceptibility linked to germline BAP1 mutations; TUMOR PREDISPOSITION SYNDROME 1; COMMON Syndrome. Identifiers: Orphanet 289539, MedGen C3280492, MONDO:0013692, OMIM 614327.
Hereditary cancer-predisposing syndrome. Also called: Neoplastic Syndromes, Hereditary; Tumor predisposition; Hereditary neoplastic syndrome; Hereditary Cancer Syndrome. Identifiers: Orphanet 140162, MedGen C0027672, MeSH D009386, MONDO:0015356.

Submissions (3):

Labcorp Genetics (formerly Invitae), Labcorp
Classification: Likely benign for BAP1-related tumor predisposition syndrome. Last evaluated: 2025-12-10. Review status: criteria provided, single submitter. Criteria: Invitae Variant Classification Sherloc (09022015). Collection method: clinical testing. Allele origin: germline.

Myriad Genetics, Inc.
Classification: Benign for BAP1-related tumor predisposition syndrome. Last evaluated: 2024-07-18. Review status: criteria provided, single submitter. Criteria: Myriad Autosomal Dominant, Autosomal Recessive and X-Linked Classification Criteria (2023). Collection method: clinical testing. Allele origin: unknown.
Comment: This variant is considered benign. This variant is a silent/synonymous amino acid change and it is not expected to impact splicing.

Ambry Genetics
Classification: Likely benign for Hereditary cancer-predisposing syndrome. Last evaluated: 2022-12-23. Review status: criteria provided, single submitter. Criteria: Ambry Variant Classification Scheme 2023. Collection method: clinical testing. Allele origin: germline.